The following is an entry in ClinVar:

ClinVar aggregate classification (germline): Likely benign. Review status: criteria provided, multiple submitters, no conflicts (2 of 4 stars). 3 submissions from 3 submitters: Likely benign (3). Last evaluated 2025-07-23.

Conditions:
Imerslund-Grasbeck syndrome. Also called: ENTEROCYTE COBALAMIN MALABSORPTION; ENTEROCYTE INTRINSIC FACTOR RECEPTOR, DEFECT OF; PERNICIOUS ANEMIA, JUVENILE, DUE TO SELECTIVE INTESTINAL MALABSORPTION OF VITAMIN B12, WITH PROTEINURIA; Imerslund-Gräsbeck syndrome; Megaloblastic anemia due to inborn errors of metabolism. Identifiers: Orphanet 35858, MedGen C4551825, MONDO:0009853.

Allele frequency attached by ClinVar (database versions not stated): TOPMed 0.00001; gnomAD 0.00006; gnomAD exomes 0.00007; ExAC 0.00013; 1000 Genomes Project 30x 0.00094; 1000 Genomes Project 0.00120.
gnomAD v4.1: 108 of 1,614,098 alleles (0.0067%); highest among the groups gnomAD compares: South Asian, 0.11%; 2 homozygotes.

Submissions (3):

Mayo Clinic Laboratories, Mayo Clinic
Classification: Likely benign. Last evaluated: 2025-07-23. Review status: criteria provided, single submitter. Criteria: ACMG Guidelines, 2015. Collection method: clinical testing. Allele origin: germline. Observed: 1 variant allele.
Comment: BP4, BP7

Blueprint Genetics
Classification: Likely benign. Last evaluated: 2023-09-11. Review status: criteria provided, single submitter. Criteria: ACMG Guidelines, 2015. Collection method: clinical testing. Allele origin: germline.

Labcorp Genetics (formerly Invitae), Labcorp
Classification: Likely benign for Imerslund-Grasbeck syndrome. Last evaluated: 2023-05-11. Review status: criteria provided, single submitter. Criteria: Invitae Variant Classification Sherloc (09022015). Collection method: clinical testing. Allele origin: germline.

NM_001081.4(CUBN):c.10425A>G (p.Pro3475=)

Gene: CUBN (cubilin; minus strand). Cytogenetic location: 10p13.
Variant type: single nucleotide variant.
Coding change: c.10425A>G on transcript NM_001081.4 (MANE Select); coding-DNA position 10425, A replaced by G.
Protein change: p.Pro3475=; no amino-acid change (proline 3475 retained).
Molecular consequence: synonymous variant.
Genome position (GRCh38, 1-based): chr10:16,831,355, T>C on the plus strand (A>G on the coding strand, the complement: CUBN is on the minus strand). VCF-style: chr10-16831355-T-C. GRCh37 (hg19) VCF-style: chr10-16873354-T-C.
Other names: p.Pro3475=.
Identifiers: ClinVar variation 2891927 (VCV002891927.5), dbSNP rs576696171, ClinGen allele CA5422378.
Genomic context (GRCh38, chr10:16,831,355, plus strand): 5'-AGTTACACTATCACTCTTAAATCGTAGGTATAGTTCATTATTTTGAGAGAAGACAGGGTT[T>C]GGCAGCAGAGTTCCACAGTACTTGCCCAGTAATGGTGAATTGCTGTTACTTCCATTTCTC-3'
Protein context (NP_001072.2, residues 3465-3485): LLGKYCGTLL[Pro3475=]NPVFSQNNEL